The following is an entry in ClinVar:

ClinVar aggregate classification (germline): Pathogenic (1 of 4 stars; one submission).

Conditions:
Tuberous sclerosis 2 (TSC2). Identifiers: Orphanet 805, MedGen C1860707, MONDO:0013199, OMIM 613254.

Submission:

Labcorp Genetics (formerly Invitae), Labcorp
Classification: Pathogenic for Tuberous sclerosis 2. Last evaluated: 2025-10-24. Review status: criteria provided, single submitter. Criteria: Invitae Variant Classification Sherloc (09022015). Collection method: clinical testing. Allele origin: germline.
Comment: This sequence change is expected to alter the c-terminus of the TSC2 protein (p.Glu1805Valfs*). While this is not anticipated to result in nonsense mediated decay, it is expected to disrupt the last 3 amino acid(s) of the TSC2 protein and extend the protein by an uncertain number of additional amino acid residues. This variant is not present in population databases (gnomAD no frequency). This frameshift has been observed in individual(s) with tuberous sclerosis complex (internal data). In at least one individual the variant was observed to be de novo. For these reasons, this variant has been classified as Pathogenic.

NM_000548.5(TSC2):c.5414_5415del (p.Glu1805fs)

Gene: TSC2 (TSC complex subunit 2; plus strand). Cytogenetic location: 16p13.3.
Variant type: Deletion.
Coding change: c.5414_5415del on transcript NM_000548.5 (MANE Select); coding-DNA positions 5414 to 5415, 2 bases deleted (AG; older notation c.5414_5415delAG).
Protein change: p.Glu1805fs; shifts the reading frame from glutamic acid 1805.
Molecular consequence: frameshift variant. On other transcripts: non-coding transcript variant (5).
Genome position (GRCh38, 1-based): chr16:2,088,600-2,088,601, AG deleted; deleting any 2 consecutive bases within chr16:2,088,599-2,088,601 gives the same sequence; the c. name uses the placement nearest the transcript's 3' end. VCF-style (leftmost placement, unchanged base first): chr16-2088598-CGA-C. GRCh37 (hg19) VCF-style: chr16-2138599-CGA-C.
Other names: c.5204_5205del, p.Glu1735fs (NM_001406671.1); c.5201_5202del, p.Glu1734fs (NM_001406673.1); c.5198_5199del, p.Glu1733fs (NM_001406675.1); c.5195_5196del, p.Glu1732fs (NM_001406676.1); c.5156_5157del, p.Glu1719fs (NM_001406677.1); c.5102_5103del, p.Glu1701fs (NM_001406678.1); c.5066_5067del, p.Glu1689fs (NM_001406679.1); c.4814_4815del, p.Glu1605fs (NM_001406680.1); and 27 more; short protein forms E1538fs, E1581fs, E1689fs, E1719fs, E1733fs, E1738fs, E1782fs, E1204fs.
Identifiers: ClinVar variation 4727372 (VCV004727372.1).
Genomic context (GRCh38, chr16:2,088,598, plus strand): 5'-CACACCTGGCTATGAGGTGGGCCAGCGGAAGCGCCTCATCTCCTCGGTGGAGGACTTCAC[CGA>C]GTTTGTGTGAGGCCGGGGCCCTCCCTCCTGCACTGGCCTTGGACGGTATTGCCTGTCAGT-3'